The following is an entry in ClinVar:

NM_032043.3(BRIP1):c.2519dup (p.Ala841fs)

Gene: BRIP1 (BRCA1 interacting DNA helicase 1; minus strand). Cytogenetic location: 17q23.2.
Variant type: Duplication.
Coding change: c.2519dup on transcript NM_032043.3 (MANE Select); coding-DNA position 2519, one base duplicated (G; older notation c.2519dupG).
Protein change: p.Ala841fs; shifts the reading frame from alanine 841.
Molecular consequence: frameshift variant.
Genome position (GRCh38, 1-based): chr17:61,693,486, C duplicated on the plus strand (G on the coding strand, the reverse complement: BRIP1 is on the minus strand); the first of 4 consecutive C bases (chr17:61,693,486-61,693,489); duplicating any one gives the same sequence. VCF-style (leftmost placement, unchanged base first): chr17-61693485-T-TC. GRCh37 (hg19) VCF-style: chr17-59770846-T-TC.
Other names: short protein forms A841fs.
Identifiers: ClinVar variation 627855 (VCV000627855.5), dbSNP rs1555574796, ClinGen allele CA913187843.

ClinVar aggregate classification (germline): Pathogenic. Review status: criteria provided, multiple submitters, no conflicts (2 of 4 stars). 2 submissions from 2 submitters: Pathogenic (2). Last evaluated 2026-02-03.

Conditions:
Familial cancer of breast. Also called: BREAST CANCER, FAMILIAL; Hereditary breast cancer; hereditary breast carcinoma. Identifiers: Orphanet 227535, MedGen C0346153, MONDO:0016419, OMIM 114480. Disease mechanism: loss of function.
Fanconi anemia complementation group J. Also called: BRIP1-Related Fanconi Anemia. Identifiers: Orphanet 84, MedGen C1836860, MONDO:0012187, OMIM 609054.
Hereditary cancer-predisposing syndrome. Also called: Tumor predisposition; Neoplastic Syndromes, Hereditary; Hereditary Cancer Syndrome; Hereditary neoplastic syndrome. Identifiers: Orphanet 140162, MedGen C0027672, MeSH D009386, MONDO:0015356.

Submissions (2):

Labcorp Genetics (formerly Invitae), Labcorp
Classification: Pathogenic for Familial cancer of breast; Fanconi anemia complementation group J. Last evaluated: 2026-02-03. Review status: criteria provided, single submitter. Criteria: Invitae Variant Classification Sherloc (09022015). Collection method: clinical testing. Allele origin: germline.
Comment: This sequence change creates a premature translational stop signal (p.Ala841Serfs*7) in the BRIP1 gene. It is expected to result in an absent or disrupted protein product. Loss-of-function variants in BRIP1 are known to be pathogenic (PMID: 16116423, 17033622, 21964575). This variant is not present in population databases (gnomAD no frequency). This variant has not been reported in the literature in individuals affected with BRIP1-related conditions. ClinVar contains an entry for this variant (Variation ID: 627855). For these reasons, this variant has been classified as Pathogenic.

Color Diagnostics, LLC DBA Color Health
Classification: Pathogenic for Hereditary cancer-predisposing syndrome. Last evaluated: 2020-01-15. Review status: criteria provided, single submitter. Criteria: ACMG Guidelines, 2015. Collection method: clinical testing. Allele origin: germline.
Comment: This variant inserts 1 nucleotide in exon 18 of the BRIP1 gene, creating a frameshift and premature translation stop signal. This variant is expected to result in an absent or non-functional protein product. This variant has not been identified in the general population by the Genome Aggregation Database (gnomAD). Loss of BRIP1 function is a known mechanism of disease. Based on the available evidence, this variant is classified as Pathogenic.

Literature cited by the submitters: PubMed 16116423 (cited by Labcorp Genetics (formerly Invitae), Labcorp); PubMed 17033622 (cited by Labcorp Genetics (formerly Invitae), Labcorp); PubMed 21964575 (cited by Labcorp Genetics (formerly Invitae), Labcorp).